The following is an entry in ClinVar:

NM_006904.7(PRKDC):c.3569T>G (p.Leu1190Arg)

Gene: PRKDC (protein kinase, DNA-activated, catalytic subunit; minus strand). Cytogenetic location: 8q11.21.
Variant type: single nucleotide variant.
Coding change: c.3569T>G on transcript NM_006904.7 (MANE Select); coding-DNA position 3569, T replaced by G.
Protein change: p.Leu1190Arg; replaces leucine 1190 with arginine.
Molecular consequence: missense variant.
Genome position (GRCh38, 1-based): chr8:47,897,190, A>C on the plus strand (T>G on the coding strand, the complement: PRKDC is on the minus strand). VCF-style: chr8-47897190-A-C. GRCh37 (hg19) VCF-style: chr8-48809750-A-C.
Other names: c.3569T>G, p.Leu1190Arg (NM_001081640.2); short protein forms L1190R.
Identifiers: ClinVar variation 3425352 (VCV003425352.1).

ClinVar aggregate classification (germline): Uncertain significance (1 of 4 stars; one submission).

Submission:

Ambry Genetics
Classification: Uncertain significance. Last evaluated: 2024-10-11. Review status: criteria provided, single submitter. Criteria: Ambry Variant Classification Scheme 2023. Collection method: clinical testing. Allele origin: germline.
Comment: The p.L1190R variant (also known as c.3569T>G), located in coding exon 30 of the PRKDC gene, results from a T to G substitution at nucleotide position 3569. The leucine at codon 1190 is replaced by arginine, an amino acid with dissimilar properties. This amino acid position is conserved. In addition, this alteration is predicted to be deleterious by in silico analysis. Based on the available evidence, the clinical significance of this variant remains unclear.